The following is an entry in ClinVar:

NM_000553.6(WRN):c.4081A>G (p.Ser1361Gly)

Gene: WRN (WRN RecQ like helicase; plus strand). Cytogenetic location: 8p12.
Variant type: single nucleotide variant.
Coding change: c.4081A>G on transcript NM_000553.6 (MANE Select); coding-DNA position 4081, A replaced by G.
Protein change: p.Ser1361Gly; replaces serine 1361 with glycine.
Molecular consequence: missense variant.
Genome position (GRCh38, 1-based): chr8:31,167,120, A>G. VCF-style: chr8-31167120-A-G. GRCh37 (hg19) VCF-style: chr8-31024636-A-G.
Other names: short protein forms S1361G.
Identifiers: ClinVar variation 2195249 (VCV002195249.4), dbSNP rs751004956, ClinGen allele CA4705257.
Genomic context (GRCh38, chr8:31,167,120, plus strand): 5'-GAAAACATTGACACGTACCTTATCCACATGGCAATTGAGATCCTTAAACATGGTCCTGAC[A>G]GCGGACTTCAACCTTCATGTGATGTCAACAAAAGGAGATGTTTTCCCGGTTCTGAAGAGA-3'
Protein context (NP_000544.2, residues 1351-1371): AIEILKHGPD[Ser1361Gly]GLQPSCDVNK

ClinVar aggregate classification (germline): Uncertain significance (1 of 4 stars; one submission).

Conditions:
Werner syndrome (WRN). Identifiers: Orphanet 902, MedGen C0043119, MONDO:0010196, OMIM 277700.

Allele frequency attached by ClinVar (database versions not stated): gnomAD exomes below 0.00001; ExAC 0.00001; TOPMed 0.00001.
gnomAD v4.1: 1 of 1,613,488 alleles (0.000062%); highest among the groups gnomAD compares: Non-Finnish European, 0.000085%; no homozygotes.

Submission:

Labcorp Genetics (formerly Invitae), Labcorp
Classification: Uncertain significance for Werner syndrome. Last evaluated: 2025-12-28. Review status: criteria provided, single submitter. Criteria: Invitae Variant Classification Sherloc (09022015). Collection method: clinical testing. Allele origin: germline.
Comment: This sequence change replaces serine, which is neutral and polar, with glycine, which is neutral and non-polar, at codon 1361 of the WRN protein (p.Ser1361Gly). This variant is present in population databases (rs751004956, gnomAD 0.0009%). This variant has not been reported in the literature in individuals affected with WRN-related conditions. ClinVar contains an entry for this variant (Variation ID: 2195249). An algorithm developed to predict the effect of missense changes on protein structure and function outputs the following: PolyPhen-2: "Benign". The glycine amino acid residue is found in multiple mammalian species, which suggests that this missense change does not adversely affect protein function. In summary, the available evidence is currently insufficient to determine the role of this variant in disease. Therefore, it has been classified as a Variant of Uncertain Significance.